The following is an entry in ClinVar:

NM_182643.3(DLC1):c.2147T>C (p.Ile716Thr)

Gene: DLC1 (DLC1 Rho GTPase activating protein; minus strand). Cytogenetic location: 8p22.
Variant type: single nucleotide variant.
Coding change: c.2147T>C on transcript NM_182643.3 (MANE Select); coding-DNA position 2147, T replaced by C.
Protein change: p.Ile716Thr; replaces isoleucine 716 with threonine.
Molecular consequence: missense variant.
Genome position (GRCh38, 1-based): chr8:13,100,190, A>G on the plus strand (T>C on the coding strand, the complement: DLC1 is on the minus strand). VCF-style: chr8-13100190-A-G. GRCh37 (hg19) VCF-style: chr8-12957699-A-G.
Other names: c.614T>C, p.Ile205Thr (NM_001164271.2, NM_001348082.2, NM_001348083.1 and 1 more transcripts); c.938T>C, p.Ile313Thr (NM_001316668.2); c.2147T>C, p.Ile716Thr (NM_001348081.2); c.836T>C, p.Ile279Thr (NM_006094.5); short protein forms I313T, I279T, I716T, I205T.
Identifiers: ClinVar variation 729939 (VCV000729939.12), dbSNP rs114637912, ClinGen allele CA4638705.

ClinVar aggregate classification (germline): Likely benign. Review status: criteria provided, multiple submitters, no conflicts (2 of 4 stars). 3 submissions from 3 submitters: Likely benign (2). 1 of the submissions does not count toward it. Last evaluated 2025-12-01.

Conditions:
Colorectal cancer. Also called: Colorectal cancer, somatic; Malignant Colorectal Neoplasm. Identifiers: MedGen C0346629, MONDO:0005575, OMIM 114500.
DLC1-related disorder. Also called: DLC1-related condition.

Allele frequency attached by ClinVar (database versions not stated): gnomAD exomes 0.00010 and 0.00022; ExAC 0.00031; ESP Exome Variant Server 0.00092; 1000 Genomes Project 30x 0.00109; gnomAD 0.00110 and 0.00117; TOPMed 0.00123; 1000 Genomes Project 0.00140.
gnomAD v4.1: 316 of 1,613,740 alleles (0.02%); highest among the groups gnomAD compares: African/African-American, 0.39%; no homozygotes.

Submissions (3):

Labcorp Genetics (formerly Invitae), Labcorp
Classification: Likely benign. Last evaluated: 2025-12-01. Review status: criteria provided, single submitter. Criteria: Invitae Variant Classification Sherloc (09022015). Collection method: clinical testing. Allele origin: germline.

Fulgent Genetics
Classification: Likely benign for Colorectal cancer. Last evaluated: 2021-12-30. Review status: criteria provided, single submitter. Criteria: ACMG Guidelines, 2015. Collection method: clinical testing. Allele origin: unknown.

PreventionGenetics, part of Exact Sciences
Classification: Likely benign for DLC1-related condition. Last evaluated: 2023-10-31. Review status: no assertion criteria provided. Collection method: clinical testing. Allele origin: germline. Not counted in ClinVar's aggregate classification.
Comment: This variant is classified as likely benign based on ACMG/AMP sequence variant interpretation guidelines (Richards et al. 2015 PMID: 25741868, with internal and published modifications).